The following is an entry in ClinVar:

ClinVar aggregate classification (germline): Uncertain significance (1 of 4 stars; one submission).

Submission:

Labcorp Genetics (formerly Invitae), Labcorp
Classification: Uncertain significance. Last evaluated: 2023-10-05. Review status: criteria provided, single submitter. Criteria: Invitae Variant Classification Sherloc (09022015). Collection method: clinical testing. Allele origin: germline.
Comment: This sequence change replaces arginine, which is basic and polar, with glycine, which is neutral and non-polar, at codon 497 of the IMPDH1 protein (p.Arg497Gly). This variant is not present in population databases (gnomAD no frequency). This variant has not been reported in the literature in individuals affected with IMPDH1-related conditions. An algorithm developed to predict the effect of missense changes on protein structure and function (PolyPhen-2) suggests that this variant is likely to be disruptive. In summary, the available evidence is currently insufficient to determine the role of this variant in disease. Therefore, it has been classified as a Variant of Uncertain Significance.

NM_000883.4(IMPDH1):c.1489C>G (p.Arg497Gly)

Gene: IMPDH1 (inosine monophosphate dehydrogenase 1; minus strand). Cytogenetic location: 7q32.1.
Variant type: single nucleotide variant.
Coding change: c.1489C>G on transcript NM_000883.4 (MANE Select); coding-DNA position 1489, C replaced by G.
Protein change: p.Arg497Gly; replaces arginine 497 with glycine.
Molecular consequence: missense variant.
Genome position (GRCh38, 1-based): chr7:128,394,950, G>C on the plus strand (C>G on the coding strand, the complement: IMPDH1 is on the minus strand). VCF-style: chr7-128394950-G-C. GRCh37 (hg19) VCF-style: chr7-128035004-G-C.
Other names: c.1459C>G, p.Arg487Gly (NM_001102605.2); c.1234C>G, p.Arg412Gly (NM_001142573.2); c.1219C>G, p.Arg407Gly (NM_001142574.2); c.1159C>G, p.Arg387Gly (NM_001142575.2); c.1390C>G, p.Arg464Gly (NM_001142576.2); c.1282C>G, p.Arg428Gly (NM_001304521.2); c.1381C>G, p.Arg461Gly (NM_183243.3); short protein forms R387G, R407G, R464G, R428G, R461G, R412G, R487G, R497G.
Identifiers: ClinVar variation 2765721 (VCV002765721.3), dbSNP rs72624967, ClinGen allele CA369162866.